The following is an entry in ClinVar:

ClinVar aggregate classification (germline): Likely pathogenic. Review status: criteria provided, multiple submitters, no conflicts (2 of 4 stars). 6 submissions from 6 submitters: Likely pathogenic (5). 1 of the submissions does not count toward it. Last evaluated 2025-12-12.

Conditions:
Familial prostate cancer. Also called: Hereditary Prostate Cancer. Identifiers: MedGen C2931456, MONDO:0700275, OMIM 176807.
Hereditary cancer-predisposing syndrome. Also called: Neoplastic Syndromes, Hereditary; Tumor predisposition; Hereditary neoplastic syndrome; Hereditary Cancer Syndrome. Identifiers: Orphanet 140162, MedGen C0027672, MeSH D009386, MONDO:0015356.
Familial cancer of breast. Also called: hereditary breast carcinoma; BREAST CANCER, FAMILIAL; Hereditary breast cancer. Identifiers: Orphanet 227535, MedGen C0346153, MONDO:0016419, OMIM 114480. Disease mechanism: loss of function.
Ataxia-telangiectasia syndrome (AT). Also called: Ataxia-telangiectasia, complementation group D; AT, COMPLEMENTATION GROUP C; Cerebello-oculocutaneous telangiectasia; Immunodeficiency with ataxia telangiectasia; Ataxia telangiectasia (A-T); LOUIS-BAR SYNDROME. Identifiers: Orphanet 100, MedGen C0004135, MONDO:0008840, OMIM 208900.

Submissions (6):

Ambry Genetics
Classification: Likely pathogenic for Hereditary cancer-predisposing syndrome. Last evaluated: 2025-12-12. Review status: criteria provided, single submitter. Criteria: Ambry Variant Classification Scheme 2023. Collection method: clinical testing. Allele origin: germline.
Comment: The c.4236+1G>T intronic variant results from a G to T substitution one nucleotide after coding exon 27 of the ATM gene. This variant is considered to be rare based on population cohorts in the Genome Aggregation Database (gnomAD). This nucleotide position is highly conserved in available vertebrate species. In silico splice site analysis predicts that this alteration will weaken the native splice donor site. RNA studies have demonstrated that this alteration results in abnormal splicing in the set of samples tested (Ambry internal data). Alterations that disrupt the canonical splice site are expected to cause aberrant splicing, resulting in an abnormal protein or a transcript that is subject to nonsense-mediated mRNA decay. As such, this alteration is classified as likely pathogenic.

Labcorp Genetics (formerly Invitae), Labcorp
Classification: Likely pathogenic for Ataxia-telangiectasia syndrome. Last evaluated: 2025-05-04. Review status: criteria provided, single submitter. Criteria: Invitae Variant Classification Sherloc (09022015). Collection method: clinical testing. Allele origin: germline.
Comment: This sequence change affects a donor splice site in intron 28 of the ATM gene. RNA analysis indicates that disruption of this splice site induces altered splicing and may result in an absent or altered protein product. This variant is not present in population databases (gnomAD no frequency). Disruption of this splice site has been observed in individual(s) with ovarian, lung, and renal cell cancer (PMID: 30322717, 32866655, 34654685). ClinVar contains an entry for this variant (Variation ID: 233837). Studies have shown that disruption of this splice site results in skipping of exon 28, and produces a non-functional protein and/or introduces a premature termination codon (internal data). In summary, the currently available evidence indicates that the variant is pathogenic, but additional data are needed to prove that conclusively. Therefore, this variant has been classified as Likely Pathogenic.

Myriad Genetics, Inc.
Classification: Likely pathogenic for Familial cancer of breast. Last evaluated: 2024-01-23. Review status: criteria provided, single submitter. Criteria: Myriad Autosomal Dominant, Autosomal Recessive and X-Linked Classification Criteria (2023). Collection method: clinical testing. Allele origin: unknown.
Comment: This variant is considered likely pathogenic. This variant occurs within a consensus splice junction and is predicted to result in abnormal mRNA splicing of either an out-of-frame exon or an in-frame exon necessary for protein stability and/or normal function.

Women's Health and Genetics/Laboratory Corporation of America, LabCorp
Classification: Likely pathogenic for Familial prostate cancer. Last evaluated: 2022-11-10. Review status: criteria provided, single submitter. Criteria: LabCorp Variant Classification Summary - May 2015. Collection method: clinical testing. Allele origin: germline.
Comment: Variant summary: ATM c.4236+1G>T is located in a canonical splice-site and is predicted to affect mRNA splicing resulting in a significantly altered protein due to either exon skipping, shortening, or inclusion of intronic material. Several computational tools predict a significant impact on normal splicing: Three predict the variant abolishes a 5 splicing donor site. However, these predictions have yet to be confirmed by functional studies. The variant was absent in 248804 control chromosomes (gnomAD). c.4236+1G>T has been reported in the literature in individuals affected with ovarian cancer, lung adenocarcinoma and renal cell carcinoma (e.g. Carter_2018, Esai Selvan_2020, Truong_2021). To our knowledge, no experimental evidence demonstrating an impact on protein function has been reported. Four ClinVar submitters (evaluation after 2014) cite the variant as likely pathogenic. Based on the evidence outlined above, the variant was classified as likely pathogenic.

Color Diagnostics, LLC DBA Color Health
Classification: Likely pathogenic for Hereditary cancer-predisposing syndrome. Last evaluated: 2020-04-23. Review status: criteria provided, single submitter. Criteria: ACMG Guidelines, 2015. Collection method: clinical testing. Allele origin: germline.
Comment: This variant causes a G to T nucleotide substitution at the +1 position of intron 28 of the ATM gene. Splice site prediction tools suggest that this variant may have a significant impact on RNA splicing. Although this prediction has not been confirmed in published RNA studies, this variant is expected to result in an absent or disrupted protein product. This variant has not been reported in individuals affected with hereditary cancer in the literature. This variant has not been identified in the general population by the Genome Aggregation Database (gnomAD). Loss of ATM function is a known mechanism of disease. Based on the available evidence, this variant is classified as Likely Pathogenic.

Counsyl
Classification: Likely pathogenic for Ataxia-telangiectasia syndrome. Last evaluated: 2018-05-22. Review status: no assertion criteria provided. Collection method: clinical testing. Allele origin: unknown. Not counted in ClinVar's aggregate classification.

Literature cited by the submitters: PubMed 30322717 (cited by 3 submitters); PubMed 32866655 (cited by Labcorp Genetics (formerly Invitae), Labcorp and Women's Health and Genetics/Laboratory Corporation of America, LabCorp); PubMed 34654685 (cited by Labcorp Genetics (formerly Invitae), Labcorp and Women's Health and Genetics/Laboratory Corporation of America, LabCorp).

NM_000051.4(ATM):c.4236+1G>T

Gene: ATM (ATM serine/threonine kinase; plus strand). Cytogenetic location: 11q22.3.
Variant type: single nucleotide variant.
Coding change: c.4236+1G>T on transcript NM_000051.4 (MANE Select); the canonical splice donor site of the intron after coding-DNA position 4236, G replaced by T.
Molecular consequence: splice donor variant.
Genome position (GRCh38, 1-based): chr11:108,289,104, G>T. VCF-style: chr11-108289104-G-T. GRCh37 (hg19) VCF-style: chr11-108159831-G-T.
Other names: c.4236+1G>T (NM_001351834.2).
Identifiers: ClinVar variation 233837 (VCV000233837.19), dbSNP rs876660674, ClinGen allele CA10579139.